The following is an entry in ClinVar:

NM_213599.3(ANO5):c.1837C>A (p.Gln613Lys)

Gene: ANO5 (anoctamin 5; plus strand). Cytogenetic location: 11p14.3.
Variant type: single nucleotide variant.
Coding change: c.1837C>A on transcript NM_213599.3 (MANE Select); coding-DNA position 1837, C replaced by A.
Protein change: p.Gln613Lys; replaces glutamine 613 with lysine.
Molecular consequence: missense variant.
Genome position (GRCh38, 1-based): chr11:22,262,982, C>A. VCF-style: chr11-22262982-C-A. GRCh37 (hg19) VCF-style: chr11-22284528-C-A.
Other names: c.1834C>A, p.Gln612Lys (NM_001142649.2); short protein forms Q612K, Q613K.
Identifiers: ClinVar variation 1019600 (VCV001019600.9), dbSNP rs1854241987, ClinGen allele CA379922948.
Genomic context (GRCh38, chr11:22,262,982, plus strand): 5'-TTCTCCCCTCTTGCTTCTGACTAGTGTGATCCTGGAGGCTGTCTTATAGAATTGACAACC[C>A]AATTGACCATTATAATGACCGGGAAACAGATTTTTGGAAACATTAAAGAAGCCATTTATC-3'
Protein context (NP_998764.1, residues 603-623): PGGCLIELTT[Gln613Lys]LTIIMTGKQI

ClinVar aggregate classification (germline): Uncertain significance (1 of 4 stars; one submission).

Conditions:
Autosomal recessive limb-girdle muscular dystrophy type 2L (LGMDR12). Also called: MUSCULAR DYSTROPHY, LIMB-GIRDLE, AUTOSOMAL RECESSIVE 12; Limb-Girdle Muscular Dystrophy R12 Anoctamin-5-Related (LGMD-R12); Limb-girdle muscular dystrophy, type 2L. Identifiers: Orphanet 206549, MedGen C1969785, MONDO:0012652, OMIM 611307.
Gnathodiaphyseal dysplasia (GDD). Also called: GNATHODIAPHYSEAL SCLEROSIS; OSTEOGENESIS IMPERFECTA WITH UNUSUAL SKELETAL LESIONS. Identifiers: Orphanet 53697, MedGen C1833736, MONDO:0008151, OMIM 166260.

Submission:

Labcorp Genetics (formerly Invitae), Labcorp
Classification: Uncertain significance for Autosomal recessive limb-girdle muscular dystrophy type 2L; Gnathodiaphyseal dysplasia. Last evaluated: 2022-12-02. Review status: criteria provided, single submitter. Criteria: Invitae Variant Classification Sherloc (09022015). Collection method: clinical testing. Allele origin: germline.
Comment: This variant is not present in population databases (gnomAD no frequency). This sequence change replaces glutamine, which is neutral and polar, with lysine, which is basic and polar, at codon 613 of the ANO5 protein (p.Gln613Lys). ClinVar contains an entry for this variant (Variation ID: 1019600). This variant has not been reported in the literature in individuals affected with ANO5-related conditions. Advanced modeling of protein sequence and biophysical properties (such as structural, functional, and spatial information, amino acid conservation, physicochemical variation, residue mobility, and thermodynamic stability) performed at Invitae indicates that this missense variant is expected to disrupt ANO5 protein function. In summary, the available evidence is currently insufficient to determine the role of this variant in disease. Therefore, it has been classified as a Variant of Uncertain Significance.